The following is an entry in ClinVar:

NM_001009944.3(PKD1):c.11017-6C>G

Genes: PKD1 (polycystin 1, transient receptor potential channel interacting; minus strand), PKD1-AS1 (PKD1 antisense RNA 1; plus strand). Cytogenetic location: 16p13.3.
Variant type: single nucleotide variant.
Coding change: c.11017-6C>G on transcript NM_001009944.3 (MANE Select); 6 bases into the intron before coding-DNA position 11017, C replaced by G.
Molecular consequence: intron variant.
Genome position (GRCh38, 1-based): chr16:2,093,099, G>C on the plus strand (C>G on the coding strand, the complement: PKD1 is on the minus strand). VCF-style: chr16-2093099-G-C. GRCh37 (hg19) VCF-style: chr16-2143100-G-C.
Other names: c.11014-6C>G (NM_000296.4).
Identifiers: ClinVar variation 3061624 (VCV003061624.2), dbSNP rs2544639635, ClinGen allele CA2740096842.

ClinVar aggregate classification (germline): Uncertain significance (0 of 4 stars; one submission).

Conditions:
PKD1-related disorder. Also called: PKD1-related condition.

Submission:

PreventionGenetics, part of Exact Sciences
Classification: Uncertain significance for PKD1-related condition. Last evaluated: 2024-03-07. Review status: no assertion criteria provided. Collection method: clinical testing. Allele origin: germline.
Comment: The PKD1 c.11017-6C>G variant is predicted to interfere with splicing. To our knowledge, this variant has not been reported in the literature or in a large population database, indicating this variant is rare. Of note, different non-canonical splice variants in this region have been reported in individuals with autosomal dominant polycystic kidney disease (ADPKD) (c.11017-3C>T in Neumann et al. 2012. PubMed ID: 22367170; c.11017-10C>A in Zhang et al. 2018. PubMed ID: 29633482, Xu et al. 2018. PubMed ID: 29529603 and Bogdanova et al. 2000. PubMed ID: 10923038 as IVS 37-10C>A). Although we suspect that this variant may be pathogenic, at this time, the clinical significance of this variant is uncertain due to the absence of conclusive functional and genetic evidence.